The following is an entry in ClinVar:

ClinVar aggregate classification (germline): Uncertain significance (1 of 4 stars; one submission).

Conditions:
Inborn genetic diseases. Identifiers: MedGen C0950123, MeSH D030342.

gnomAD v4.1: 1 of 1,612,312 alleles (0.000062%); highest among the groups gnomAD compares: Non-Finnish European, 0.000085%; no homozygotes.

Submission:

Ambry Genetics
Classification: Uncertain significance for Inborn genetic diseases. Last evaluated: 2025-04-10. Review status: criteria provided, single submitter. Criteria: Ambry Variant Classification Scheme 2023. Collection method: clinical testing. Allele origin: germline.
Comment: The p.K319E variant (also known as c.955A>G), located in coding exon 1 of the SAMD9L gene, results from an A to G substitution at nucleotide position 955. The lysine at codon 319 is replaced by glutamic acid, an amino acid with similar properties. This amino acid position is conserved. In addition, this alteration is predicted to be tolerated by in silico analysis. Based on the available evidence, the clinical significance of this variant remains unclear.

NM_152703.5(SAMD9L):c.955A>G (p.Lys319Glu)

Gene: SAMD9L (sterile alpha motif domain containing 9 like; minus strand). Cytogenetic location: 7q21.2.
Variant type: single nucleotide variant.
Coding change: c.955A>G on transcript NM_152703.5 (MANE Select); coding-DNA position 955, A replaced by G.
Protein change: p.Lys319Glu; replaces lysine 319 with glutamic acid.
Molecular consequence: missense variant.
Genome position (GRCh38, 1-based): chr7:93,135,017, T>C on the plus strand (A>G on the coding strand, the complement: SAMD9L is on the minus strand). VCF-style: chr7-93135017-T-C. GRCh37 (hg19) VCF-style: chr7-92764330-T-C.
Other names: c.955A>G, p.Lys319Glu (NM_001303496.3, NM_001303497.3, NM_001303498.3 and 5 more transcripts); short protein forms K319E.
Identifiers: ClinVar variation 3949821 (VCV003949821.1).